The following is an entry in ClinVar:

NM_000051.4(ATM):c.5576G>A (p.Arg1859Lys)

Gene: ATM (ATM serine/threonine kinase; plus strand). Cytogenetic location: 11q22.3.
Variant type: single nucleotide variant.
Coding change: c.5576G>A on transcript NM_000051.4 (MANE Select); coding-DNA position 5576, G replaced by A.
Protein change: p.Arg1859Lys; replaces arginine 1859 with lysine.
Molecular consequence: missense variant.
Genome position (GRCh38, 1-based): chr11:108,304,754, G>A. VCF-style: chr11-108304754-G-A. GRCh37 (hg19) VCF-style: chr11-108175481-G-A.
Other names: c.5576G>A, p.Arg1859Lys (NM_001351834.2); short protein forms R1859K.
Identifiers: ClinVar variation 478964 (VCV000478964.11), dbSNP rs1060501568, ClinGen allele CA382546106.
Genomic context (GRCh38, chr11:108,304,754, plus strand): 5'-AGACTGTACTTCCATACTTGATTCATGATATTTTACTCCAAGATACAAATGAATCATGGA[G>A]AAATCTGCTTTCTACACATGTTCAGGGATTTTTCACCAGCTGTCTTCGACACTTCTCGCA-3'
Protein context (NP_000042.3, residues 1849-1869): ILLQDTNESW[Arg1859Lys]NLLSTHVQGF

ClinVar aggregate classification (germline): Uncertain significance. Review status: criteria provided, multiple submitters, no conflicts (2 of 4 stars). 3 submissions from 3 submitters: Uncertain significance (3). Last evaluated 2025-10-19.

Conditions:
Hereditary cancer-predisposing syndrome. Also called: Tumor predisposition; Neoplastic Syndromes, Hereditary; Hereditary Cancer Syndrome; Hereditary neoplastic syndrome. Identifiers: Orphanet 140162, MedGen C0027672, MeSH D009386, MONDO:0015356.
Ataxia-telangiectasia syndrome (AT). Also called: Cerebello-oculocutaneous telangiectasia; Immunodeficiency with ataxia telangiectasia; ATAXIA-TELANGIECTASIA, COMPLEMENTATION GROUP A; Ataxia-telangiectasia, complementation group D; AT, COMPLEMENTATION GROUP C; ATAXIA-TELANGIECTASIA, FRESNO VARIANT. Identifiers: Orphanet 100, MedGen C0004135, MONDO:0008840, OMIM 208900.

gnomAD v4.1: 2 of 1,613,984 alleles (0.00012%); highest among the groups gnomAD compares: African/African-American, 0.0013%; no homozygotes.

Submissions (3):

Labcorp Genetics (formerly Invitae), Labcorp
Classification: Uncertain significance for Ataxia-telangiectasia syndrome. Last evaluated: 2025-10-19. Review status: criteria provided, single submitter. Criteria: Invitae Variant Classification Sherloc (09022015). Collection method: clinical testing. Allele origin: germline.
Comment: This sequence change replaces arginine, which is basic and polar, with lysine, which is basic and polar, at codon 1859 of the ATM protein (p.Arg1859Lys). This variant is not present in population databases (gnomAD no frequency). This variant has not been reported in the literature in individuals affected with ATM-related conditions. ClinVar contains an entry for this variant (Variation ID: 478964). Invitae Evidence Modeling of protein sequence and biophysical properties (such as structural, functional, and spatial information, amino acid conservation, physicochemical variation, residue mobility, and thermodynamic stability) indicates that this missense variant is not expected to disrupt ATM protein function with a negative predictive value of 95%. In summary, the available evidence is currently insufficient to determine the role of this variant in disease. Therefore, it has been classified as a Variant of Uncertain Significance.

Mendelics
Classification: Uncertain significance for Ataxia-telangiectasia syndrome. Last evaluated: 2018-07-02. Review status: criteria provided, single submitter. Criteria: Mendelics Assertion Criteria 2017. Collection method: clinical testing. Allele origin: unknown.

Ambry Genetics
Classification: Uncertain significance for Hereditary cancer-predisposing syndrome. Last evaluated: 2017-11-03. Review status: criteria provided, single submitter. Criteria: Ambry Variant Classification Scheme 2023. Collection method: clinical testing. Allele origin: germline.
Comment: The p.R1859K variant (also known as c.5576G>A), located in coding exon 36 of the ATM gene, results from a G to A substitution at nucleotide position 5576. The arginine at codon 1859 is replaced by lysine, an amino acid with highly similar properties. This amino acid position is well conserved in available vertebrate species. In addition, this alteration is predicted to be tolerated by in silico analysis. Since supporting evidence is limited at this time, the clinical significance of this alteration remains unclear.